The following is an entry in ClinVar:

ClinVar aggregate classification (germline): Uncertain significance (1 of 4 stars; one submission).

Conditions:
Epidermolysis bullosa simplex 5B, with muscular dystrophy (EBS5B). Also called: EPIDERMOLYSIS BULLOSA SIMPLEX AND LIMB-GIRDLE MUSCULAR DYSTROPHY; Epidermolysis bullosa simplex with muscular dystrophy. Identifiers: Orphanet 257, MedGen C2931072, MONDO:0009181, OMIM 226670.
Epidermolysis bullosa simplex, Ogna type (EBS5A). Also called: Pidermolysis bullosa simplex 5A, Ogna type; EPIDERMOLYSIS BULLOSA SIMPLEX 5A, OGNA TYPE. Identifiers: Orphanet 79401, MedGen C0432317, MONDO:0007555, OMIM 131950.
Epidermolysis bullosa simplex with nail dystrophy (EBS5D). Identifiers: MedGen C4225309, MONDO:0014661, OMIM 616487.
Autosomal recessive limb-girdle muscular dystrophy type 2Q (LGMDR17). Also called: MUSCULAR DYSTROPHY, LIMB-GIRDLE, AUTOSOMAL RECESSIVE 17. Identifiers: Orphanet 254361, MedGen C3150989, MONDO:0013390, OMIM 613723.
Epidermolysis bullosa simplex 5C, with pyloric atresia (EBS5C). Also called: PLEC1-Related Epidermolysis Bullosa with Pyloric Atresia; Epidermolysis bullosa simplex with pyloric atresia; PLEC-Related Epidermolysis Bullosa with Pyloric Atresia. Identifiers: Orphanet 158684, MedGen C2677349, MONDO:0012807, OMIM 612138.

Allele frequency attached by ClinVar (database versions not stated): gnomAD 0.00001; TOPMed 0.00001.
gnomAD v4.1: 6 of 1,608,134 alleles (0.00037%); highest among the groups gnomAD compares: East Asian, 0.0067%; no homozygotes.

Submission:

Labcorp Genetics (formerly Invitae), Labcorp
Classification: Uncertain significance for Autosomal recessive limb-girdle muscular dystrophy type 2Q; Epidermolysis bullosa simplex, Ogna type; Epidermolysis bullosa simplex with nail dystrophy; Epidermolysis bullosa simplex 5C, with pyloric atresia; Epidermolysis bullosa simplex 5B, with muscular dystrophy. Last evaluated: 2025-05-27. Review status: criteria provided, single submitter. Criteria: Invitae Variant Classification Sherloc (09022015). Collection method: clinical testing. Allele origin: germline.
Comment: This sequence change replaces aspartic acid, which is acidic and polar, with asparagine, which is neutral and polar, at codon 99 of the PLEC protein (p.Asp99Asn). The frequency data for this variant in the population databases is considered unreliable, as metrics indicate poor data quality at this position in the gnomAD database. This variant has not been reported in the literature in individuals affected with PLEC-related conditions. ClinVar contains an entry for this variant (Variation ID: 1899008). Experimental studies and prediction algorithms are not available or were not evaluated, and the functional significance of this variant is currently unknown. In summary, the available evidence is currently insufficient to determine the role of this variant in disease. Therefore, it has been classified as a Variant of Uncertain Significance.

NM_201384.3(PLEC):c.214G>A (p.Asp72Asn)

Gene: PLEC (plectin; minus strand). Cytogenetic location: 8q24.3.
Variant type: single nucleotide variant.
Coding change: c.214G>A on transcript NM_201384.3 (MANE Select); coding-DNA position 214, G replaced by A.
Protein change: p.Asp72Asn; replaces aspartic acid 72 with asparagine.
Molecular consequence: missense variant.
Genome position (GRCh38, 1-based): chr8:143,938,201, C>T on the plus strand (G>A on the coding strand, the complement: PLEC is on the minus strand). VCF-style: chr8-143938201-C-T. GRCh37 (hg19) VCF-style: chr8-145012369-C-T.
Other names: c.295G>A, p.Asp99Asn (NM_000445.5, NM_001410941.1); c.172G>A, p.Asp58Asn (NM_201378.4); c.148G>A, p.Asp50Asn (NM_201379.3); c.625G>A, p.Asp209Asn (NM_201380.4); c.118G>A, p.Asp40Asn (NM_201381.3); c.214G>A, p.Asp72Asn (NM_201382.4); c.226G>A, p.Asp76Asn (NM_201383.3); short protein forms D40N, D50N, D72N, D209N, D76N, D99N, D58N.
Identifiers: ClinVar variation 1899008 (VCV001899008.5), dbSNP rs782449006, ClinGen allele CA372592292.